The following is an entry in ClinVar:

ClinVar aggregate classification (germline): Uncertain significance (1 of 4 stars; one submission).

Submission:

GeneDx
Classification: Uncertain significance. Last evaluated: 2025-02-02. Review status: criteria provided, single submitter. Criteria: GeneDx Variant Classification Process June 2021. Collection method: clinical testing. Allele origin: germline. Affected: yes.
Comment: Not observed at significant frequency in large population cohorts (gnomAD); In silico analysis supports that this missense variant has a deleterious effect on protein structure/function; Has not been previously published as pathogenic or benign to our knowledge

NM_002069.6(GNAI1):c.959A>G (p.Tyr320Cys)

Gene: GNAI1 (G protein subunit alpha i1; plus strand). Cytogenetic location: 7q21.11.
Variant type: single nucleotide variant.
Coding change: c.959A>G on transcript NM_002069.6 (MANE Select); coding-DNA position 959, A replaced by G.
Protein change: p.Tyr320Cys; replaces tyrosine 320 with cysteine.
Molecular consequence: missense variant.
Genome position (GRCh38, 1-based): chr7:80,217,387, A>G. VCF-style: chr7-80217387-A-G. GRCh37 (hg19) VCF-style: chr7-79846703-A-G.
Other names: c.803A>G, p.Tyr268Cys (NM_001256414.2); short protein forms Y268C, Y320C.
Identifiers: ClinVar variation 4072708 (VCV004072708.1).